The following is an entry in ClinVar:

NM_019842.4(KCNQ5):c.594T>C (p.Ala198=)

Gene: KCNQ5 (potassium voltage-gated channel subfamily Q member 5; plus strand). Cytogenetic location: 6q13.
Variant type: single nucleotide variant.
Coding change: c.594T>C on transcript NM_019842.4 (MANE Select); coding-DNA position 594, T replaced by C.
Protein change: p.Ala198=; no amino-acid change (alanine 198 retained).
Molecular consequence: synonymous variant.
Genome position (GRCh38, 1-based): chr6:73,042,040, T>C. VCF-style: chr6-73042040-T-C. GRCh37 (hg19) VCF-style: chr6-73751763-T-C.
Other names: c.594T>C, p.Ala198= (NM_001160130.2, NM_001160132.2, NM_001160133.2 and 1 more transcripts).
Identifiers: ClinVar variation 1624895 (VCV001624895.14), dbSNP rs751403670, ClinGen allele CA3886779.

ClinVar aggregate classification (germline): Likely benign. Review status: criteria provided, multiple submitters, no conflicts (2 of 4 stars). 2 submissions from 2 submitters: Likely benign (2). Last evaluated 2025-12-01.

Allele frequency attached by ClinVar (database versions not stated): gnomAD 0.00001; ExAC 0.00002; gnomAD exomes 0.00002 and 0.00004; TOPMed 0.00006.
gnomAD v4.1: 12 of 1,613,822 alleles (0.00074%); highest among the groups gnomAD compares: Admixed American, 0.02%; no homozygotes.

Submissions (2):

CeGaT Center for Human Genetics Tuebingen
Classification: Likely benign. Last evaluated: 2025-12-01. Review status: criteria provided, single submitter. Criteria: CeGaT Center For Human Genetics Tuebingen Variant Classification Criteria Version 2. Collection method: clinical testing. Allele origin: germline. Affected: yes. Observed: 1 variant allele.
Comment: KCNQ5: BP4, BP7

Labcorp Genetics (formerly Invitae), Labcorp
Classification: Likely benign. Last evaluated: 2025-09-02. Review status: criteria provided, single submitter. Criteria: Invitae Variant Classification Sherloc (09022015). Collection method: clinical testing. Allele origin: germline.